The following is an entry in ClinVar:

NM_000152.5(GAA):c.947A>T (p.Asn316Ile)

Gene: GAA (alpha glucosidase; plus strand). Cytogenetic location: 17q25.3.
Variant type: single nucleotide variant.
Coding change: c.947A>T on transcript NM_000152.5 (MANE Select); coding-DNA position 947, A replaced by T.
Protein change: p.Asn316Ile; replaces asparagine 316 with isoleucine.
Molecular consequence: missense variant.
Genome position (GRCh38, 1-based): chr17:80,107,888, A>T. VCF-style: chr17-80107888-A-T. GRCh37 (hg19) VCF-style: chr17-78081687-A-T.
Other names: c.947A>T, p.Asn316Ile (NM_001079803.3, NM_001079804.3, NM_001406741.1 and 1 more transcripts); short protein forms N316I.
Identifiers: ClinVar variation 4876611 (VCV004876611.1).

ClinVar aggregate classification (germline): Uncertain significance (1 of 4 stars; one submission).

Conditions:
Glycogen storage disease, type II (IOPD). Also called: Pompe Disease; CARDIOMEGALIA GLYCOGENICA DIFFUSA; GLYCOGENOSIS, GENERALIZED, CARDIAC FORM; GSD II; POMPE DISEASE, INFANTILE-ONSET; GLYCOGEN STORAGE DISEASE II, INFANTILE-ONSET. Identifiers: Orphanet 365, MedGen C0017921, MONDO:0009290, OMIM 232300.

Submission:

Genomenon, Inc
Classification: Uncertain significance for Glycogen storage disease, type II. Last evaluated: 2026-07-01. Review status: criteria provided, single submitter. Criteria: Genomenon Sequence Variant Interpretation Standards - Updated. Collection method: curation. Allele origin: germline. Affected: no.
Comment: GAA p.Asn316Ile (c.947A>T) is a missense variant that changes the amino acid at codon 316 from Asparagine to Isoleucine. To our knowledge, this variant has not been reported in patients affected with a GAA-related disorder in the published literature. At least one functional study has demonstrated a substantial alteration in protein function relative to the wild-type (PMID:22644586). The presence of pathogenic/likely pathogenic missense variant(s) at the same amino acid position indicates that this residue is likely important for protein function. It is absent or not present at a significant frequency in gnomAD. In silico models predict that this variant is possibly or probably damaging. In conclusion, we classify GAA p.Asn316Ile (c.947A>T) as a variant of uncertain significance.

Literature cited by the submitters: PubMed 22644586.